The following is an entry in ClinVar:

ClinVar aggregate classification (germline): Likely pathogenic (1 of 4 stars; one submission).

Conditions:
Primary ciliary dyskinesia. Also called: Ciliary dyskinesia. Identifiers: Orphanet 244, MedGen C0008780, MONDO:0016575, HP:0012265.

Submission:

The Research Institute of Tuberculosis, Japan Anti-Tuberculosis Association
Classification: Likely pathogenic for Primary ciliary dyskinesia. Last evaluated: 2026-03-25. Review status: criteria provided, single submitter. Criteria: ACMG/ClinGen CNV Guidelines, 2019. Collection method: research. Allele origin: germline. Inheritance: Autosomal recessive inheritance. Affected: yes.
Comment: Classification derived from Franklin (Genoox) summary and internal review. ClinGen CNV scoring framework was applied for copy-number variants. Final classification: Likely pathogenic. Franklin suggested: 0.9 - Likely Pathogenic. ClinGen CNV scoring (Franklin): total score 0.9. Key rule(s): 2E=0.9: Both breakpoints are within the coding region of same gene (gene-level sequence variant); 1A=0: Contains protein-coding or other known functionally important elements; 2B=0: Partial overlap of an established HI/LOF-sensitive genomic region, and the observed CNV does NOT (or is not known to) contain the known causative gene or critical region for this established TS genomic region.

Literature cited by the submitters: PubMed 38960684; PubMed 39462806.

GRCh38/hg38 2q14.2(chr2:119624023-119642209)x1

Genes: CFAP221 (cilia and flagella associated protein 221; plus strand), LOC129934669 (ATAC-STARR-seq lymphoblastoid silent region 11909; plus strand). Cytogenetic location: 2q14.2.
Variant type: copy number loss.
Change: copy number 1 (one copy instead of two) of chr2:119,624,023-119,642,209 (18.2 kb, GRCh38 coordinates, 1-based), cytogenetic band 2q14.2.
Identifiers: ClinVar variation 4818927 (VCV004818927.1).